The following is an entry in ClinVar:

NM_002539.3(ODC1):c.1162G>A (p.Ala388Thr)

Gene: ODC1 (ornithine decarboxylase 1; minus strand). Cytogenetic location: 2p25.1.
Variant type: single nucleotide variant.
Coding change: c.1162G>A on transcript NM_002539.3 (MANE Select); coding-DNA position 1162, G replaced by A.
Protein change: p.Ala388Thr; replaces alanine 388 with threonine.
Molecular consequence: missense variant.
Genome position (GRCh38, 1-based): chr2:10,441,588, C>T on the plus strand (G>A on the coding strand, the complement: ODC1 is on the minus strand). VCF-style: chr2-10441588-C-T. GRCh37 (hg19) VCF-style: chr2-10581714-C-T.
Other names: c.775G>A, p.Ala259Thr (NM_001287188.2); c.1162G>A, p.Ala388Thr (NM_001287189.2, NM_001287190.2); short protein forms A259T, A388T.
Identifiers: ClinVar variation 1314870 (VCV001314870.2), dbSNP rs542824485, ClinGen allele CA42449375.

ClinVar aggregate classification (germline): Uncertain significance (1 of 4 stars; one submission).

Allele frequency attached by ClinVar (database versions not stated): gnomAD exomes below 0.00001; gnomAD 0.00001 and 0.00002; 1000 Genomes Project 30x 0.00016; 1000 Genomes Project 0.00020.
gnomAD v4.1: 7 of 1,614,170 alleles (0.00043%); highest among the groups gnomAD compares: East Asian, 0.0022%; no homozygotes.

Submission:

GeneDx
Classification: Uncertain significance. Last evaluated: 2021-04-19. Review status: criteria provided, single submitter. Criteria: GeneDx Variant Classification Process June 2021. Collection method: clinical testing. Allele origin: germline. Affected: yes.
Comment: Not observed in large population cohorts (Lek et al., 2016); In silico analysis supports that this missense variant has a deleterious effect on protein structure/function; Has not been previously published as pathogenic or benign to our knowledge